The following is an entry in ClinVar:

ClinVar aggregate classification (germline): Uncertain significance. Review status: criteria provided, multiple submitters, no conflicts (2 of 4 stars). 2 submissions from 2 submitters: Uncertain significance (2). Last evaluated 2022-03-09.

Conditions:
Hearing impairment. Also called: Impaired Hearing. Identifiers: MedGen C1384666, MONDO:0005365, HP:0000365.

Allele frequency attached by ClinVar (database versions not stated): gnomAD exomes below 0.00001 and 0.00001; ExAC 0.00001; TOPMed 0.00001; gnomAD 0.00002; ESP Exome Variant Server 0.00008.
gnomAD v4.1: 11 of 1,613,490 alleles (0.00068%); highest among the groups gnomAD compares: Non-Finnish European, 0.00085%; no homozygotes.

Submissions (2):

Labcorp Genetics (formerly Invitae), Labcorp
Classification: Uncertain significance. Last evaluated: 2022-03-09. Review status: criteria provided, single submitter. Criteria: Invitae Variant Classification Sherloc (09022015). Collection method: clinical testing. Allele origin: germline.
Comment: This sequence change replaces glutamine, which is neutral and polar, with arginine, which is basic and polar, at codon 3172 of the MYO15A protein (p.Gln3172Arg). This variant is present in population databases (rs375465287, gnomAD 0.0008%). This variant has not been reported in the literature in individuals affected with MYO15A-related conditions. ClinVar contains an entry for this variant (Variation ID: 1065056). Algorithms developed to predict the effect of missense changes on protein structure and function are either unavailable or do not agree on the potential impact of this missense change (SIFT: "Deleterious"; PolyPhen-2: "Not Available"; Align-GVGD: "Class C35"). Algorithms developed to predict the effect of sequence changes on RNA splicing suggest that this variant may create or strengthen a splice site. In summary, the available evidence is currently insufficient to determine the role of this variant in disease. Therefore, it has been classified as a Variant of Uncertain Significance.

Department of Otolaryngology – Head & Neck Surgery, Cochlear Implant Center
Classification: Uncertain significance for Hearing impairment. Last evaluated: 2021-04-12. Review status: criteria provided, single submitter. Criteria: ClinGen HL ACMG Specifications v1. Collection method: clinical testing. Allele origin: germline. Affected: yes.
Comment: PM2_Moderate, PM5_Moderate, PP3_Supporting

NM_016239.4(MYO15A):c.9515A>G (p.Gln3172Arg)

Gene: MYO15A (myosin XVA; plus strand). Cytogenetic location: 17p11.2.
Variant type: single nucleotide variant.
Coding change: c.9515A>G on transcript NM_016239.4 (MANE Select); coding-DNA position 9515, A replaced by G.
Protein change: p.Gln3172Arg; replaces glutamine 3172 with arginine.
Molecular consequence: missense variant.
Genome position (GRCh38, 1-based): chr17:18,161,445, A>G. VCF-style: chr17-18161445-A-G. GRCh37 (hg19) VCF-style: chr17-18064759-A-G.
Other names: short protein forms Q3172R.
Identifiers: ClinVar variation 1065056 (VCV001065056.6), dbSNP rs375465287, ClinGen allele CA8425569.